The following is an entry in ClinVar:

ClinVar aggregate classification (germline): Uncertain significance. Review status: criteria provided, multiple submitters, no conflicts (2 of 4 stars). 3 submissions from 3 submitters: Uncertain significance (2). 1 of the submissions does not count toward it. Last evaluated 2026-01-02.

Conditions:
Hereditary cancer-predisposing syndrome. Also called: Neoplastic Syndromes, Hereditary; Hereditary Cancer Syndrome; Hereditary neoplastic syndrome; Tumor predisposition. Identifiers: Orphanet 140162, MedGen C0027672, MeSH D009386, MONDO:0015356.
Ataxia-telangiectasia syndrome (AT). Also called: ATAXIA-TELANGIECTASIA, COMPLEMENTATION GROUP A; ATAXIA-TELANGIECTASIA, FRESNO VARIANT; Ataxia-telangiectasia, complementation group E; Ataxia telangiectasia (A-T); LOUIS-BAR SYNDROME; Cerebello-oculocutaneous telangiectasia. Identifiers: Orphanet 100, MedGen C0004135, MONDO:0008840, OMIM 208900.

Allele frequency attached by ClinVar (database versions not stated): gnomAD exomes 0.00001.
gnomAD v4.1: 7 of 1,605,406 alleles (0.00044%); highest among the groups gnomAD compares: African/African-American, 0.0013%; no homozygotes.

Submissions (3):

Labcorp Genetics (formerly Invitae), Labcorp
Classification: Uncertain significance for Ataxia-telangiectasia syndrome. Last evaluated: 2026-01-02. Review status: criteria provided, single submitter. Criteria: Invitae Variant Classification Sherloc (09022015). Collection method: clinical testing. Allele origin: germline.
Comment: This sequence change replaces alanine, which is neutral and non-polar, with valine, which is neutral and non-polar, at codon 112 of the ATM protein (p.Ala112Val). This variant is not present in population databases (gnomAD no frequency). This variant has not been reported in the literature in individuals affected with ATM-related conditions. ClinVar contains an entry for this variant (Variation ID: 823659). Invitae Evidence Modeling of protein sequence and biophysical properties (such as structural, functional, and spatial information, amino acid conservation, physicochemical variation, residue mobility, and thermodynamic stability) indicates that this missense variant is not expected to disrupt ATM protein function with a negative predictive value of 95%. In summary, the available evidence is currently insufficient to determine the role of this variant in disease. Therefore, it has been classified as a Variant of Uncertain Significance.

Ambry Genetics
Classification: Uncertain significance for Hereditary cancer-predisposing syndrome. Last evaluated: 2023-12-14. Review status: criteria provided, single submitter. Criteria: Ambry Variant Classification Scheme 2023. Collection method: clinical testing. Allele origin: germline.
Comment: The p.A112V variant (also known as c.335C>T), located in coding exon 4 of the ATM gene, results from a C to T substitution at nucleotide position 335. The alanine at codon 112 is replaced by valine, an amino acid with similar properties. This amino acid position is not well conserved in available vertebrate species. In addition, this alteration is predicted to be tolerated by in silico analysis. Since supporting evidence is limited at this time, the clinical significance of this alteration remains unclear.

Natera, Inc.
Classification: Uncertain significance for Ataxia-telangiectasia. Last evaluated: 2021-08-25. Review status: no assertion criteria provided. Collection method: clinical testing. Allele origin: germline. Not counted in ClinVar's aggregate classification.

NM_000051.4(ATM):c.335C>T (p.Ala112Val)

Gene: ATM (ATM serine/threonine kinase; plus strand). Cytogenetic location: 11q22.3.
Variant type: single nucleotide variant.
Coding change: c.335C>T on transcript NM_000051.4 (MANE Select); coding-DNA position 335, C replaced by T.
Protein change: p.Ala112Val; replaces alanine 112 with valine.
Molecular consequence: missense variant.
Genome position (GRCh38, 1-based): chr11:108,235,673, C>T. VCF-style: chr11-108235673-C-T. GRCh37 (hg19) VCF-style: chr11-108106400-C-T.
Other names: c.335C>T, p.Ala112Val (NM_001351834.2); short protein forms A112V.
Identifiers: ClinVar variation 823659 (VCV000823659.13), dbSNP rs1591474358, ClinGen allele CA382524419.